The following is an entry in ClinVar:

NM_015474.4(SAMHD1):c.1410+1G>A

Gene: SAMHD1 (SAM and HD domain containing deoxynucleoside triphosphate triphosphohydrolase 1; minus strand). Cytogenetic location: 20q11.23.
Variant type: single nucleotide variant.
Coding change: c.1410+1G>A on transcript NM_015474.4 (MANE Select); the canonical splice donor site of the intron after coding-DNA position 1410, G replaced by A.
Molecular consequence: splice donor variant.
Genome position (GRCh38, 1-based): chr20:36,905,363, C>T on the plus strand (G>A on the coding strand, the complement: SAMHD1 is on the minus strand). VCF-style: chr20-36905363-C-T. GRCh37 (hg19) VCF-style: chr20-35533766-C-T.
Other names: c.1410+1G>A (NM_001363733.2, NM_001363729.2).
Identifiers: ClinVar variation 2794901 (VCV002794901.3), dbSNP rs374561117, ClinGen allele CA9844517.

ClinVar aggregate classification (germline): Likely pathogenic (1 of 4 stars; one submission).

Conditions:
Aicardi-Goutieres syndrome 5. Identifiers: Orphanet 51, MedGen C2749659, MONDO:0013059, OMIM 612952.

Allele frequency attached by ClinVar (database versions not stated): gnomAD exomes below 0.00001; TOPMed below 0.00001; ExAC 0.00001; ESP Exome Variant Server 0.00008.
gnomAD v4.1: 2 of 1,614,004 alleles (0.00012%); highest among the groups gnomAD compares: African/African-American, 0.0027%; no homozygotes.

Submission:

Labcorp Genetics (formerly Invitae), Labcorp
Classification: Likely pathogenic for Aicardi-Goutieres syndrome 5. Last evaluated: 2025-01-08. Review status: criteria provided, single submitter. Criteria: Invitae Variant Classification Sherloc (09022015). Collection method: clinical testing. Allele origin: germline.
Comment: This sequence change affects a donor splice site in intron 12 of the SAMHD1 gene. It is expected to disrupt RNA splicing. Variants that disrupt the donor or acceptor splice site typically lead to a loss of protein function (PMID: 16199547), and loss-of-function variants in SAMHD1 are known to be pathogenic (PMID: 19525956, 22461318). This variant is present in population databases (rs374561117, gnomAD 0.007%). This variant has not been reported in the literature in individuals affected with SAMHD1-related conditions. ClinVar contains an entry for this variant (Variation ID: 2794901). Algorithms developed to predict the effect of sequence changes on RNA splicing suggest that this variant may disrupt the consensus splice site. In summary, the currently available evidence indicates that the variant is pathogenic, but additional data are needed to prove that conclusively. Therefore, this variant has been classified as Likely Pathogenic.

Literature cited by the submitters: PubMed 16199547; PubMed 19525956; PubMed 22461318.